The following is an entry in ClinVar:

NM_002439.5(MSH3):c.329G>T (p.Gly110Val)

Gene: MSH3 (mutS homolog 3; plus strand). Cytogenetic location: 5q14.1.
Variant type: single nucleotide variant.
Coding change: c.329G>T on transcript NM_002439.5 (MANE Select); coding-DNA position 329, G replaced by T.
Protein change: p.Gly110Val; replaces glycine 110 with valine.
Molecular consequence: missense variant.
Genome position (GRCh38, 1-based): chr5:80,656,502, G>T. VCF-style: chr5-80656502-G-T. GRCh37 (hg19) VCF-style: chr5-79952321-G-T.
Other names: short protein forms G110V.
Identifiers: ClinVar variation 2135827 (VCV002135827.4), dbSNP rs987869162, ClinGen allele CA121288554.

ClinVar aggregate classification (germline): Uncertain significance (1 of 4 stars; one submission).

Allele frequency attached by ClinVar (database versions not stated): TOPMed below 0.00001; gnomAD 0.00001.
gnomAD v4.1: 2 of 1,614,114 alleles (0.00012%); highest among the groups gnomAD compares: Admixed American, 0.0017%; no homozygotes.

Submission:

Labcorp Genetics (formerly Invitae), Labcorp
Classification: Uncertain significance. Last evaluated: 2025-10-10. Review status: criteria provided, single submitter. Criteria: Invitae Variant Classification Sherloc (09022015). Collection method: clinical testing. Allele origin: germline.
Comment: This sequence change replaces glycine, which is neutral and non-polar, with valine, which is neutral and non-polar, at codon 110 of the MSH3 protein (p.Gly110Val). This variant is not present in population databases (gnomAD no frequency). This variant has not been reported in the literature in individuals affected with MSH3-related conditions. ClinVar contains an entry for this variant (Variation ID: 2135827). An algorithm developed to predict the effect of missense changes on protein structure and function (PolyPhen-2) suggests that this variant is likely to be tolerated. Algorithms developed to predict the effect of sequence changes on RNA splicing suggest that this variant may create or strengthen a splice site. In summary, the available evidence is currently insufficient to determine the role of this variant in disease. Therefore, it has been classified as a Variant of Uncertain Significance.